The following is an entry in ClinVar:

NM_000158.4(GBE1):c.167del (p.Ile55_Leu56insTer)

Gene: GBE1 (1,4-alpha-glucan branching enzyme 1; minus strand). Cytogenetic location: 3p12.2.
Variant type: Deletion.
Coding change: c.167del on transcript NM_000158.4 (MANE Select); coding-DNA position 167, one base deleted (T; older notation c.167delT).
Protein change: p.Ile55_Leu56insTer.
Molecular consequence: nonsense.
Genome position (GRCh38, 1-based): chr3:81,705,590, A deleted on the plus strand (T on the coding strand, the reverse complement: GBE1 is on the minus strand); the first of 4 consecutive A bases (chr3:81,705,590-81,705,593); deleting any one gives the same sequence. VCF-style (leftmost placement, unchanged base first): chr3-81705589-CA-C. GRCh37 (hg19) VCF-style: chr3-81754740-CA-C.
Identifiers: ClinVar variation 2152486 (VCV002152486.7), dbSNP rs2471917613, ClinGen allele CA2580070451.

ClinVar aggregate classification (germline): Pathogenic/Likely pathogenic. Review status: criteria provided, multiple submitters, no conflicts (2 of 4 stars). 3 submissions from 3 submitters: Pathogenic (2); Likely pathogenic (1). Last evaluated 2023-03-02.

Conditions:
Glycogen storage disease IV, classic hepatic. Also called: GSD IV, CLASSIC HEPATIC. Identifiers: MedGen C1856301.
Glycogen storage disease, type IV (GSD4). Also called: AMYLOPECTINOSIS; ANDERSEN DISEASE; BRANCHER DEFICIENCY; CIRRHOSIS, FAMILIAL, WITH DEPOSITION OF ABNORMAL GLYCOGEN; GBE1 DEFICIENCY; GLYCOGEN BRANCHING ENZYME DEFICIENCY. Identifiers: Orphanet 367, MedGen C0017923, MONDO:0009292, OMIM 232500.
Adult polyglucosan body disease (APBN). Also called: POLYGLUCOSAN BODY DISEASE, ADULT FORM; GBE1-Adult Polyglucosan Body Disease. Identifiers: Orphanet 206583, MedGen C1849722, MONDO:0009897, OMIM 263570.

Submissions (3):

Baylor Genetics
Classification: Likely pathogenic for Glycogen storage disease, type IV. Last evaluated: 2023-03-02. Review status: criteria provided, single submitter. Criteria: ACMG Guidelines, 2015. Collection method: clinical testing. Allele origin: unknown.

Labcorp Genetics (formerly Invitae), Labcorp
Classification: Pathogenic for Glycogen storage disease, type IV; Glycogen storage disease IV, classic hepatic. Last evaluated: 2022-03-24. Review status: criteria provided, single submitter. Criteria: Invitae Variant Classification Sherloc (09022015). Collection method: clinical testing. Allele origin: germline.
Comment: For these reasons, this variant has been classified as Pathogenic. This variant has not been reported in the literature in individuals affected with GBE1-related conditions. This variant is not present in population databases (gnomAD no frequency). This sequence change creates a premature translational stop signal (p.Leu56*) in the GBE1 gene. It is expected to result in an absent or disrupted protein product. Loss-of-function variants in GBE1 are known to be pathogenic (PMID: 15452297, 20058079).

Juno Genomics, Hangzhou Juno Genomics, Inc
Classification: Pathogenic for Glycogen storage disease, type IV; Adult polyglucosan body disease. Review status: criteria provided, single submitter. Criteria: ACMG Guidelines, 2015. Collection method: clinical testing. Allele origin: germline. Affected: yes.
Comment: Absent from controls (or at extremely low frequency if recessive) in Genome Aggregation Database, Exome Sequencing Project, 1000 Genomes Project, or Exome Aggregation Consortium.;Null variant in a gene where loss of function (LOF) is a known mechanism of disease.;Patient's phenotype or family history is highly specific for a disease with a single genetic etiology.

Literature cited by the submitters: PubMed 15452297 (cited by Labcorp Genetics (formerly Invitae), Labcorp); PubMed 20058079 (cited by Labcorp Genetics (formerly Invitae), Labcorp).